The following is an entry in ClinVar:

ClinVar aggregate classification (germline): Uncertain significance (1 of 4 stars; one submission).

Conditions:
SHH-related disorder. Also called: SHH-related disorders; SHH-related condition.

Submission:

PreventionGenetics, part of Exact Sciences
Classification: Uncertain significance for SHH-related condition. Last evaluated: 2024-11-12. Review status: criteria provided, single submitter. Criteria: ACMG Guidelines, 2015. Collection method: clinical testing. Allele origin: germline.
Comment: The SHH c.1201_1215del15 variant is predicted to result in an in-frame deletion (p.Ser401_Asp405del). To our knowledge, this variant has not been reported in the literature. This variant is reported in 0.012% of alleles in individuals of South Asian descent in gnomAD. At this time, the clinical significance of this variant is uncertain due to the absence of conclusive functional and genetic evidence.

NM_000193.4(SHH):c.1201_1215del (p.Ser401_Asp405del)

Gene: SHH (sonic hedgehog signaling molecule; minus strand). Cytogenetic location: 7q36.3.
Variant type: Deletion.
Coding change: c.1201_1215del on transcript NM_000193.4 (MANE Select); coding-DNA positions 1201 to 1215, 15 bases deleted (AGCGGCGGCGGGGAC).
Protein change: p.Ser401_Asp405del.
Molecular consequence: inframe deletion. On other transcripts: intron variant (1).
Genome position (GRCh38, 1-based): chr7:155,803,074-155,803,088, GTCCCCGCCGCCGCT deleted on the plus strand (AGCGGCGGCGGGGAC on the coding strand, the reverse complement: SHH is on the minus strand); deleting any 15 consecutive bases within chr7:155,803,074-155,803,099 gives the same sequence; the c. name uses the placement nearest the transcript's 3' end. VCF-style (leftmost placement, unchanged base first): chr7-155803073-GGTCCCCGCCGCCGCT-G. GRCh37 (hg19) VCF-style: chr7-155595767-GGTCCCCGCCGCCGCT-G.
Other names: c.302-2843_302-2829del (NM_001310462.2).
Identifiers: ClinVar variation 4997043 (VCV004997043.1).